The following is an entry in ClinVar:

ClinVar aggregate classification (germline): Uncertain significance (1 of 4 stars; one submission).

Submission:

Labcorp Genetics (formerly Invitae), Labcorp
Classification: Uncertain significance. Last evaluated: 2026-01-16. Review status: criteria provided, single submitter. Criteria: Invitae Variant Classification Sherloc (09022015). Collection method: clinical testing. Allele origin: germline.
Comment: This sequence change replaces isoleucine, which is neutral and non-polar, with serine, which is neutral and polar, at codon 298 of the DDX41 protein (p.Ile298Ser). This variant is not present in population databases (gnomAD no frequency). This variant has not been reported in the literature in individuals affected with DDX41-related conditions. An algorithm developed to predict the effect of missense changes on protein structure and function (PolyPhen-2) suggests that this variant is likely to be disruptive. In summary, the available evidence is currently insufficient to determine the role of this variant in disease. Therefore, it has been classified as a Variant of Uncertain Significance.

NM_016222.4(DDX41):c.893T>G (p.Ile298Ser)

Gene: DDX41 (DEAD-box helicase 41; minus strand). Cytogenetic location: 5q35.3.
Variant type: single nucleotide variant.
Coding change: c.893T>G on transcript NM_016222.4 (MANE Select); coding-DNA position 893, T replaced by G.
Protein change: p.Ile298Ser; replaces isoleucine 298 with serine.
Molecular consequence: missense variant.
Genome position (GRCh38, 1-based): chr5:177,514,743, A>C on the plus strand (T>G on the coding strand, the complement: DDX41 is on the minus strand). VCF-style: chr5-177514743-A-C. GRCh37 (hg19) VCF-style: chr5-176941744-A-C.
Other names: c.515T>G, p.Ile172Ser (NM_001321732.2, NM_001321830.2); short protein forms I172S, I298S.
Identifiers: ClinVar variation 4809893 (VCV004809893.1).
Genomic context (GRCh38, chr5:177,514,743, plus strand): 5'-GGGAGCGCCAGCACTCACTGTCGGATGGTCTCCATCTGCTCTTTCACGGACATGCCCCCA[A>C]TGCAGAGGGCGCAGCGCAGGAGTGGTGAGCTGTCCTCCTGCAGCAGGCGGCAGTAGTACT-3'
Protein context (NP_057306.2, residues 288-308): SSPLLRCALC[Ile298Ser]GGMSVKEQME